The following is an entry in ClinVar:

NM_001276270.2(MBD4):c.224G>C (p.Gly75Ala)

Gene: MBD4 (methyl-CpG binding domain 4, DNA glycosylase; minus strand). Cytogenetic location: 3q21.3.
Variant type: single nucleotide variant.
Coding change: c.224G>C on transcript NM_001276270.2 (MANE Select); coding-DNA position 224, G replaced by C.
Protein change: p.Gly75Ala; replaces glycine 75 with alanine.
Molecular consequence: missense variant.
Genome position (GRCh38, 1-based): chr3:129,437,831, C>G on the plus strand (G>C on the coding strand, the complement: MBD4 is on the minus strand). VCF-style: chr3-129437831-C-G. GRCh37 (hg19) VCF-style: chr3-129156674-C-G.
Other names: c.224G>C, p.Gly75Ala (NM_001276271.2, NM_001276272.2, NM_001276273.2 and 1 more transcripts); short protein forms G75A.
Identifiers: ClinVar variation 3870933 (VCV003870933.1).

ClinVar aggregate classification (germline): Uncertain significance (1 of 4 stars; one submission).

Conditions:
Inborn genetic diseases. Identifiers: MedGen C0950123, MeSH D030342.

Submission:

Ambry Genetics
Classification: Uncertain significance for Inborn genetic diseases. Last evaluated: 2025-02-13. Review status: criteria provided, single submitter. Criteria: Ambry Variant Classification Scheme 2023. Collection method: clinical testing. Allele origin: germline.
Comment: The p.G75A variant (also known as c.224G>C), located in coding exon 2 of the MBD4 gene, results from a G to C substitution at nucleotide position 224. The glycine at codon 75 is replaced by alanine, an amino acid with similar properties. This amino acid position is conserved. In addition, this alteration is predicted to be tolerated by in silico analysis. Based on the available evidence, the clinical significance of this variant remains unclear.